The following is an entry in ClinVar:

NM_006790.3(MYOT):c.134G>T (p.Arg45Leu)

Genes: MYOT (myotilin; plus strand), PKD2L2-DT (PKD2L2 divergent transcript; minus strand). Cytogenetic location: 5q31.2.
Variant type: single nucleotide variant.
Coding change: c.134G>T on transcript NM_006790.3 (MANE Select); coding-DNA position 134, G replaced by T.
Protein change: p.Arg45Leu; replaces arginine 45 with leucine.
Molecular consequence: missense variant. On other transcripts: intron variant (2).
Genome position (GRCh38, 1-based): chr5:137,870,785, G>T. VCF-style: chr5-137870785-G-T. GRCh37 (hg19) VCF-style: chr5-137206474-G-T.
Other names: c.-120-92G>T (NM_001300911.2); c.-197+260G>T (NM_001135940.2); short protein forms R45L.
Identifiers: ClinVar variation 1391952 (VCV001391952.8), dbSNP rs1358850010, ClinGen allele CA361052661.

ClinVar aggregate classification (germline): Uncertain significance (1 of 4 stars; one submission).

Conditions:
Myofibrillar myopathy 3 (MFM3). Also called: Muscular dystrophy, proximal, type 1A; Autosomal dominant spheroid body myopathy. Identifiers: Orphanet 266, Orphanet 268129, MedGen C3714934, MONDO:0012215, OMIM 609200.

Submission:

Labcorp Genetics (formerly Invitae), Labcorp
Classification: Uncertain significance for Myofibrillar myopathy 3. Last evaluated: 2021-07-07. Review status: criteria provided, single submitter. Criteria: Invitae Variant Classification Sherloc (09022015). Collection method: clinical testing. Allele origin: germline.
Comment: This sequence change replaces arginine with leucine at codon 45 of the MYOT protein (p.Arg45Leu). The arginine residue is moderately conserved and there is a moderate physicochemical difference between arginine and leucine. This variant is not present in population databases (ExAC no frequency). This variant has not been reported in the literature in individuals with MYOT-related conditions. Algorithms developed to predict the effect of missense changes on protein structure and function (SIFT, PolyPhen-2, Align-GVGD) all suggest that this variant is likely to be tolerated, but these predictions have not been confirmed by published functional studies and their clinical significance is uncertain. In summary, the available evidence is currently insufficient to determine the role of this variant in disease. Therefore, it has been classified as a Variant of Uncertain Significance.